The following is an entry in ClinVar:

ClinVar aggregate classification (germline): Uncertain significance. Review status: reviewed by expert panel (3 of 4 stars). 11 submissions from 11 submitters: Uncertain significance (1). 10 of the submissions do not count toward it. Last evaluated 2019-12-05.

Conditions:
Cardiofaciocutaneous syndrome 4 (CFC4). Also called: MAP2K2-Related Cardiofaciocutaneous Syndrome. Identifiers: Orphanet 1340, MedGen C3809007, MONDO:0014114, OMIM 615280.
Noonan syndrome (NS). Also called: Noonan's syndrome. Identifiers: Orphanet 648, MedGen C0028326, MeSH D009634, MONDO:0018997. Disease mechanism: gain of function.
RASopathy. Also called: Noonan spectrum disorder; rasopathies. Identifiers: Orphanet 536391, MedGen C5555857, MONDO:0021060.

Allele frequency attached by ClinVar (database versions not stated): gnomAD 0.00004 and 0.00005; TOPMed 0.00004; ExAC 0.00010; 1000 Genomes Project 30x 0.00016; 1000 Genomes Project 0.00020.
gnomAD v4.1: 139 of 1,552,194 alleles (0.009%); highest among the groups gnomAD compares: Non-Finnish European, 0.011%; no homozygotes.

Submissions (11):

ClinGen RASopathy Variant Curation Expert Panel
Classification: Uncertain significance for RASopathy. Last evaluated: 2019-12-05. Review status: reviewed by expert panel. Criteria: ClinGen RASopathy ACMG Specifications v1. Collection method: curation. Allele origin: germline. Inheritance: Autosomal dominant inheritance.
Comment: The c.1187C>T (p.Thr396Met) variant in MAP2K2 is present in 0.017% (11/61632) non-Finnish European alleles in gnomAD. This variant has been identified in a patient with an alternate molecular basis for disease (BP5; SCV000699629.2). Computational prediction tools and conservation analyses do not provide strong support for or against an impact to the protein. In summary, the clinical significance of the p.Thr396Met variant is uncertain. RASopathy-specific ACMG/AMP criteria applied (PMID:29493581): BP5.

Dasa
Classification: Uncertain significance. Last evaluated: 2026-01-03. Review status: criteria provided, single submitter. Criteria: DASA Assertion Criteria. Collection method: clinical testing. Allele origin: germline. Not counted in ClinVar's aggregate classification.
Comment: NM_030662.4(MAP2K2):c.1187C>T (p.Thr396Met) is a missense variant that results in the substitution of threonine with methionine. This variant is rare in population databases. The currently available literature and clinical evidence are not sufficient to establish a definitive association between this variant and the reported condition. Therefore, this variant is classified as a variant of uncertain significance.

Labcorp Genetics (formerly Invitae), Labcorp
Classification: Uncertain significance for RASopathy. Last evaluated: 2025-07-09. Review status: criteria provided, single submitter. Criteria: Invitae Variant Classification Sherloc (09022015). Collection method: clinical testing. Allele origin: germline. Not counted in ClinVar's aggregate classification.
Comment: This sequence change replaces threonine, which is neutral and polar, with methionine, which is neutral and non-polar, at codon 396 of the MAP2K2 protein (p.Thr396Met). This variant is present in population databases (rs117945277, gnomAD 0.02%). This missense change has been observed in individual(s) with clinical features of MAP2K2-related conditions (PMID: 30050098). ClinVar contains an entry for this variant (Variation ID: 279960). Invitae Evidence Modeling of protein sequence and biophysical properties (such as structural, functional, and spatial information, amino acid conservation, physicochemical variation, residue mobility, and thermodynamic stability) has been performed for this missense variant. However, the output from this modeling did not meet the statistical confidence thresholds required to predict the impact of this variant on MAP2K2 protein function. In summary, the available evidence is currently insufficient to determine the role of this variant in disease. Therefore, it has been classified as a Variant of Uncertain Significance.

CeGaT Center for Human Genetics Tuebingen
Classification: Likely benign. Last evaluated: 2025-04-01. Review status: criteria provided, single submitter. Criteria: CeGaT Center For Human Genetics Tuebingen Variant Classification Criteria Version 2. Collection method: clinical testing. Allele origin: germline. Affected: yes. Observed: 1 variant allele. Not counted in ClinVar's aggregate classification.
Comment: MAP2K2: BS2

Blueprint Genetics
Classification: Likely benign. Last evaluated: 2024-10-07. Review status: criteria provided, single submitter. Criteria: ACMG Guidelines, 2015. Collection method: clinical testing. Allele origin: germline. Not counted in ClinVar's aggregate classification.

St. Jude Molecular Pathology, St. Jude Children's Research Hospital
Classification: Uncertain significance for Cardiofaciocutaneous syndrome 4. Last evaluated: 2023-03-20. Review status: criteria provided, single submitter. Criteria: St. Jude Assertion Criteria 2020. Collection method: clinical testing. Allele origin: germline. Not counted in ClinVar's aggregate classification.
Comment: The MAP2K2 c.1187C>T (p.Thr396Met) missense change has a maximum subpopulation frequency of 0.02% in gnomAD v2.1.1. The in silico tool REVEL is inconclusive about a pathogenic or benign effect of this variant on protein function, and to our knowledge functional studies have not been performed. To our knowledge, this variant has not been reported in individuals with cardiofaciocutanous syndrome. In summary, the evidence currently available is insufficient to determine the clinical significance of this variant. It has therefore been classified as of uncertain significance.??

Women's Health and Genetics/Laboratory Corporation of America, LabCorp
Classification: Likely benign. Last evaluated: 2022-07-25. Review status: criteria provided, single submitter. Criteria: LabCorp Variant Classification Summary - May 2015. Collection method: clinical testing. Allele origin: germline. Not counted in ClinVar's aggregate classification.
Comment: Variant summary: MAP2K2 c.1187C>T (p.Thr396Met) results in a non-conservative amino acid change in the encoded protein sequence. Five of five in-silico tools predict a damaging effect of the variant on protein function. The variant allele was found at a frequency of 7.6e-05 in 158546 control chromosomes, predominantly at a frequency of 0.00018 within the Non-Finnish European subpopulation in the gnomAD database. The observed variant frequency within Non-Finnish European control individuals in the gnomAD database is approximately 72- fold the estimated maximal pathogenic allele frequency expected for a variant in MAP2K2 causing Noonan Syndrome and Related Conditions phenotype (2.5e-06), strongly suggesting that the variant is a benign polymorphism found primarily in populations of Non-Finnish European origin. c.1187C>T has been reported in the literature in an individual affected with hypertrophic cardiomyopathy with a reported classification of VUS-favor benign (Ceyhan-Birsoy_2018). This report does not provide unequivocal conclusions about association of the variant with Noonan Syndrome and Related Conditions. To our knowledge, no experimental evidence demonstrating an impact on protein function has been reported. Five submitters have provided clinical-significance assessments for this variant to ClinVar after 2014 (VUS, n=5). Based on the evidence outlined above, the variant was classified as likely benign.

Fulgent Genetics
Classification: Uncertain significance for Cardiofaciocutaneous syndrome 4. Last evaluated: 2021-10-04. Review status: criteria provided, single submitter. Criteria: ACMG Guidelines, 2015. Collection method: clinical testing. Allele origin: unknown. Not counted in ClinVar's aggregate classification.

Laboratory for Molecular Medicine, Mass General Brigham Personalized Medicine
Classification: Uncertain significance. Last evaluated: 2018-03-06. Review status: criteria provided, single submitter. Criteria: LMM Criteria. Collection method: clinical testing. Allele origin: germline. Not counted in ClinVar's aggregate classification.
Comment: Disclaimer: This variant has not undergone full assessment. The following are preliminary notes: GnomAd- 19:4090612 G / A-10/58586 europeans; Not in Google search or HGMD; ; VUS in ClinVar by GeneDx

GeneDx
Classification: Uncertain significance. Last evaluated: 2017-12-18. Review status: criteria provided, single submitter. Criteria: GeneDx Variant Classification (06012015). Collection method: clinical testing. Allele origin: germline. Affected: yes. Not counted in ClinVar's aggregate classification.
Comment: The T396M variant of uncertain significance in the MAP2K2 gene has not been published as pathogenic or benign to our knowledge. The T396M variant is a non-conservative amino acid substitution, which is likely to impact secondary protein structure as these residues differ in polarity, charge, size and/or other properties. Furthermore, in-silico analyses, including protein predictors and evolutionary conservation, support a deleterious effect. However, T396M has been observed in 0.02% (10/58586) of alleles from individuals of European (non-Finnish) ancestry in large population cohorts (Lek et al., 2016).Therefore, based on the currently available information, it is unclear whether this variant is pathogenic or rare benign.

Service de Génétique Moléculaire, Hôpital Robert Debré
Classification: Likely benign for Noonan syndrome. Review status: no assertion criteria provided. Collection method: clinical testing. Allele origin: maternal. Affected: yes. Not counted in ClinVar's aggregate classification.

Literature cited by the submitters: PubMed 30050098 (cited by Labcorp Genetics (formerly Invitae), Labcorp); PubMed 22753777 (cited by Women's Health and Genetics/Laboratory Corporation of America, LabCorp); PubMed 29696744 (cited by Women's Health and Genetics/Laboratory Corporation of America, LabCorp).

NM_030662.4(MAP2K2):c.1187C>T (p.Thr396Met)

Gene: MAP2K2 (mitogen-activated protein kinase kinase 2; minus strand). Cytogenetic location: 19p13.3.
Variant type: single nucleotide variant.
Coding change: c.1187C>T on transcript NM_030662.4 (MANE Select); coding-DNA position 1187, C replaced by T.
Protein change: p.Thr396Met; replaces threonine 396 with methionine.
Molecular consequence: missense variant.
Genome position (GRCh38, 1-based): chr19:4,090,614, G>A on the plus strand (C>T on the coding strand, the complement: MAP2K2 is on the minus strand). VCF-style: chr19-4090614-G-A. GRCh37 (hg19) VCF-style: chr19-4090612-G-A.
Other names: c.1187C>T (NM_030662.3); short protein forms T396M.
Identifiers: ClinVar variation 279960 (VCV000279960.30), dbSNP rs117945277, ClinGen allele CA9090685.
Genomic context (GRCh38, chr19:4,090,614, plus strand): 5'-ACGGTGGGCAGGTCACCAGCGGGACGCAGGGAGCCCGGCCACTGTCACACGGCGGTGCGC[G>A]TGGGTGTGCCGGGCTGGTTCAGCCGCAGGGTTTTACACAACCAGCCGGCAAAATCCACTT-3'
Protein context (NP_109587.1, residues 386-400): TLRLNQPGTP[Thr396Met]RTAV